The following is an entry in ClinVar:

NM_001113491.2(SEPTIN9):c.1726_1727delinsGC (p.Met576Ala)

Gene: SEPTIN9 (septin 9; plus strand). Cytogenetic location: 17q25.3.
Variant type: Indel.
Coding change: c.1726_1727delinsGC on transcript NM_001113491.2 (MANE Select); coding-DNA positions 1726 to 1727, AT replaced by GC.
Protein change: p.Met576Ala; replaces methionine 576 with alanine.
Molecular consequence: missense variant.
Genome position (GRCh38, 1-based): chr17:77,498,623-77,498,624, AT replaced by GC. VCF-style: chr17-77498623-AT-GC. GRCh37 (hg19) VCF-style: chr17-75494705-AT-GC.
Other names: c.1234_1235delinsGC, p.Met412Ala (NM_001113492.2, NM_001113494.1); c.1705_1706delinsGC, p.Met569Ala (NM_001113493.2); c.973_974delinsGC, p.Met325Ala (NM_001113495.2, NM_001113496.2, NM_001293697.2 and 1 more transcripts); c.1669_1670delinsGC, p.Met557Ala (NM_001293695.2); c.1054_1055delinsGC, p.Met352Ala (NM_001293696.2); c.1672_1673delinsGC, p.Met558Ala (NM_006640.5); short protein forms M325A, M352A, M412A, M557A, M558A, M569A, M576A.
Identifiers: ClinVar variation 1682684 (VCV001682684.5), dbSNP rs2143490586, ClinGen allele CA2573154879.

ClinVar aggregate classification (germline): Uncertain significance (1 of 4 stars; one submission).

Submission:

Labcorp Genetics (formerly Invitae), Labcorp
Classification: Uncertain significance. Last evaluated: 2021-10-23. Review status: criteria provided, single submitter. Criteria: Invitae Variant Classification Sherloc (09022015). Collection method: clinical testing. Allele origin: germline.
Comment: In summary, the available evidence is currently insufficient to determine the role of this variant in disease. Therefore, it has been classified as a Variant of Uncertain Significance. Algorithms developed to predict the effect of missense changes on protein structure and function are either unavailable or do not agree on the potential impact of this missense change (SIFT: "Not Available"; PolyPhen-2: "Benign"; Align-GVGD: "Not Available"). This variant has not been reported in the literature in individuals affected with SEPT9-related conditions. The frequency data for this variant in the population databases is not available, as this variant may be reported as separate entries in the ExAC database. This sequence change replaces methionine with alanine at codon 558 of the SEPT9 protein (p.Met558Ala). There is a moderate physicochemical difference between methionine and alanine.